The following is an entry in ClinVar:

ClinVar aggregate classification (germline): Benign. Review status: criteria provided, multiple submitters, no conflicts (2 of 4 stars). 2 submissions from 2 submitters: Benign (2). Last evaluated 2018-01-13.

Conditions:
Seizures, benign familial neonatal, 2. Also called: CONVULSIONS, BENIGN FAMILIAL NEONATAL, 2; KCNQ3-Related Self-Limited Familial Neonatal Epilepsy (SLFNE); Benign Neonatal Epilepsy 2; KCNQ3-Related Benign Familial Neonatal Epilepsy; Seizures, benign neonatal, 2. Identifiers: Orphanet 1949, MedGen C1852581, MONDO:0007366, OMIM 121201.

Allele frequency attached by ClinVar (database versions not stated): TOPMed 0.19787; gnomAD 0.20402 and 0.20665; gnomAD exomes 0.22222; 1000 Genomes Project 30x 0.13632; 1000 Genomes Project 0.13518.
gnomAD v4.1: 31,398 of 152,168 alleles (21%); highest among the groups gnomAD compares: Middle Eastern, 31%; 3,750 homozygotes.

Submissions (2):

Illumina Laboratory Services, Illumina
Classification: Benign for Seizures, benign familial neonatal, 2. Last evaluated: 2018-01-13. Review status: criteria provided, single submitter. Criteria: ICSL Variant Classification Criteria 13 December 2019. Collection method: clinical testing. Allele origin: germline.
Comment: This variant was observed in the ICSL laboratory as part of a predisposition screen in an ostensibly healthy population. It had not been previously curated by ICSL or reported in the Human Gene Mutation Database (HGMD: prior to June 1st, 2018), and was therefore a candidate for classification through an automated scoring system. Utilizing variant allele frequency, disease prevalence and penetrance estimates, and inheritance mode, an automated score was calculated to assess if this variant is too frequent to cause the disease. Based on the score and internal cut-off values, a variant classified as benign is not then subjected to further curation. The score for this variant resulted in a classification of benign for this disease.

Breakthrough Genomics
Classification: Benign. Review status: criteria provided, single submitter. Criteria: ACMG Guidelines, 2015. Collection method: not provided. Allele origin: germline. Inheritance: Autosomal dominant inheritance. Affected: yes.

NM_004519.4(KCNQ3):c.*7119C>T

Gene: KCNQ3 (potassium voltage-gated channel subfamily Q member 3; minus strand). Cytogenetic location: 8q24.22.
Variant type: single nucleotide variant.
Coding change: c.*7119C>T on transcript NM_004519.4 (MANE Select); 7119 bases downstream of the stop codon, C replaced by T.
Molecular consequence: 3 prime UTR variant.
Genome position (GRCh38, 1-based): chr8:132,122,143, G>A on the plus strand (C>T on the coding strand, the complement: KCNQ3 is on the minus strand). VCF-style: chr8-132122143-G-A. GRCh37 (hg19) VCF-style: chr8-133134390-G-A.
Other names: c.*7119C>T (NM_001204824.2).
Identifiers: ClinVar variation 361761 (VCV000361761.7), dbSNP rs2436126, ClinGen allele CA10630112.